The following is an entry in ClinVar:

ClinVar aggregate classification (germline): Conflicting classifications of pathogenicity. Review status: criteria provided, conflicting classifications (1 of 4 stars). 3 submissions from 3 submitters: Uncertain significance (1); Likely benign (2). Last evaluated 2026-01-16.

Conditions:
Deficiency of malonyl-CoA decarboxylase. Also called: Malonic aciduria; MCD deficiency. Identifiers: Orphanet 943, MedGen C0342793, MONDO:0009556, OMIM 248360.

Allele frequency attached by ClinVar (database versions not stated): ESP Exome Variant Server 0.00008; TOPMed 0.00008; gnomAD 0.00009 and 0.00011; gnomAD exomes 0.00011; ExAC 0.00012.
gnomAD v4.1: 147 of 1,614,074 alleles (0.0091%); highest among the groups gnomAD compares: Non-Finnish European, 0.012%; 1 homozygote.

Submissions (3):

Labcorp Genetics (formerly Invitae), Labcorp
Classification: Likely benign for Deficiency of malonyl-CoA decarboxylase. Last evaluated: 2026-01-16. Review status: criteria provided, single submitter. Criteria: Invitae Variant Classification Sherloc (09022015). Collection method: clinical testing. Allele origin: germline.

CeGaT Center for Human Genetics Tuebingen
Classification: Likely benign. Last evaluated: 2025-12-01. Review status: criteria provided, single submitter. Criteria: CeGaT Center For Human Genetics Tuebingen Variant Classification Criteria Version 2. Collection method: clinical testing. Allele origin: germline. Affected: yes. Observed: 1 variant allele.
Comment: MLYCD: BP4, BP7

Illumina Laboratory Services, Illumina
Classification: Uncertain significance for Deficiency of malonyl-CoA decarboxylase. Last evaluated: 2018-01-13. Review status: criteria provided, single submitter. Criteria: ICSL Variant Classification Criteria 13 December 2019. Collection method: clinical testing. Allele origin: germline.

NM_012213.3(MLYCD):c.741G>T (p.Gly247=)

Gene: MLYCD (malonyl-CoA decarboxylase; plus strand). Cytogenetic location: 16q23.3.
Variant type: single nucleotide variant.
Coding change: c.741G>T on transcript NM_012213.3 (MANE Select); coding-DNA position 741, G replaced by T.
Protein change: p.Gly247=; no amino-acid change (glycine 247 retained).
Molecular consequence: synonymous variant.
Genome position (GRCh38, 1-based): chr16:83,908,225, G>T. VCF-style: chr16-83908225-G-T. GRCh37 (hg19) VCF-style: chr16-83941830-G-T.
Identifiers: ClinVar variation 723297 (VCV000723297.16), dbSNP rs376948469, ClinGen allele CA8197352.